The following is an entry in ClinVar:

NM_021729.6(VPS11):c.40G>C (p.Asp14His)

Gene: VPS11 (VPS11 core subunit of CORVET and HOPS complexes; plus strand). Cytogenetic location: 11q23.3.
Variant type: single nucleotide variant.
Coding change: c.40G>C on transcript NM_021729.6 (MANE Select); coding-DNA position 40, G replaced by C.
Protein change: p.Asp14His; replaces aspartic acid 14 with histidine.
Molecular consequence: missense variant. On other transcripts: 5 prime UTR variant (1), non-coding transcript variant (8).
Genome position (GRCh38, 1-based): chr11:119,067,863, G>C. VCF-style: chr11-119067863-G-C. GRCh37 (hg19) VCF-style: chr11-118938574-G-C.
Other names: c.40G>C (NM_021729.4); c.-206G>C (NM_001290185.2); c.40G>C, p.Asp14His (NM_001378218.1, NM_001378219.1, NM_001378220.1); short protein forms D14H.
Identifiers: ClinVar variation 1485539 (VCV001485539.6), dbSNP rs534830936, ClinGen allele CA229658281.

ClinVar aggregate classification (germline): Uncertain significance. Review status: criteria provided, multiple submitters, no conflicts (2 of 4 stars). 2 submissions from 2 submitters: Uncertain significance (2). Last evaluated 2026-07-10.

Conditions:
Inborn genetic diseases. Identifiers: MedGen C0950123, MeSH D030342.

Allele frequency attached by ClinVar (database versions not stated): TOPMed 0.00010; gnomAD exomes 0.00011.
gnomAD v4.1: 165 of 1,565,504 alleles (0.011%); highest among the groups gnomAD compares: Non-Finnish European, 0.014%; no homozygotes.

Submissions (2):

Ambry Genetics
Classification: Uncertain significance for Inborn genetic diseases. Last evaluated: 2026-07-10. Review status: criteria provided, single submitter. Criteria: Ambry Variant Classification Scheme 2023. Collection method: clinical testing. Allele origin: germline.
Comment: The c.40G>C (p.D14H) alteration is located in exon 1 (coding exon 1) of the VPS11 gene. This alteration results from a G to C substitution at nucleotide position 40, causing the aspartic acid (D) at amino acid position 14 to be replaced by a histidine (H). Based on data from gnomAD, the C allele has an overall frequency of 0.01% (21/210258) total alleles studied. The highest observed frequency was 0.021% (19/89408) of European (non-Finnish) alleles. The in silico prediction for the p.D14H alteration is inconclusive. Based on insufficient or conflicting evidence, the clinical significance of this alteration remains unclear.

Labcorp Genetics (formerly Invitae), Labcorp
Classification: Uncertain significance. Last evaluated: 2024-01-17. Review status: criteria provided, single submitter. Criteria: Invitae Variant Classification Sherloc (09022015). Collection method: clinical testing. Allele origin: germline.
Comment: This sequence change replaces aspartic acid, which is acidic and polar, with histidine, which is basic and polar, at codon 14 of the VPS11 protein (p.Asp14His). This variant is present in population databases (rs534830936, gnomAD 0.02%), including at least one homozygous and/or hemizygous individual. This variant has not been reported in the literature in individuals affected with VPS11-related conditions. ClinVar contains an entry for this variant (Variation ID: 1485539). Advanced modeling of protein sequence and biophysical properties (such as structural, functional, and spatial information, amino acid conservation, physicochemical variation, residue mobility, and thermodynamic stability) performed at Invitae indicates that this missense variant is expected to disrupt VPS11 protein function with a positive predictive value of 80%. In summary, the available evidence is currently insufficient to determine the role of this variant in disease. Therefore, it has been classified as a Variant of Uncertain Significance.